The following is an entry in ClinVar:

NM_001330260.2(SCN8A):c.1707G>C (p.Arg569Ser)

Gene: SCN8A (sodium voltage-gated channel alpha subunit 8; plus strand). Cytogenetic location: 12q13.13.
Variant type: single nucleotide variant.
Coding change: c.1707G>C on transcript NM_001330260.2 (MANE Select); coding-DNA position 1707, G replaced by C.
Protein change: p.Arg569Ser; replaces arginine 569 with serine.
Molecular consequence: missense variant.
Genome position (GRCh38, 1-based): chr12:51,721,617, G>C. VCF-style: chr12-51721617-G-C. GRCh37 (hg19) VCF-style: chr12-52115401-G-C.
Other names: p.R569S:AGG>AGC; c.1707G>C, p.Arg569Ser (NM_001177984.3, NM_001369788.1, NM_014191.4); short protein forms R569S.
Identifiers: ClinVar variation 207107 (VCV000207107.11), dbSNP rs267603508, ClinGen allele CA318252.
Genomic context (GRCh38, chr12:51,721,617, plus strand): 5'-CATCCCAGGCTCGCCCTTCCTCTCCCGCCACAACAGCAAGAGCAGCATCTTCAGTTTCAG[G>C]GGACCTGGGCGGTTCCGAGACCCGGGCTCCGAGAATGAGTTCGCGGATGACGAGCACAGC-3'
Protein context (NP_001317189.1, residues 559-579): HNSKSSIFSF[Arg569Ser]GPGRFRDPGS

ClinVar aggregate classification (germline): Uncertain significance. Review status: criteria provided, multiple submitters, no conflicts (2 of 4 stars). 2 submissions from 2 submitters: Uncertain significance (2). Last evaluated 2025-02-06.

Conditions:
Early-infantile DEE. Also called: Ohtahara syndrome; Early infantile epileptic encephalopathy; Early infantile epileptic encephalopathy with suppression bursts. Identifiers: Orphanet 1934, MedGen C0393706, MONDO:0800491.

Allele frequency attached by ClinVar (database versions not stated): gnomAD 0.00002; ExAC 0.00004.

Submissions (2):

Labcorp Genetics (formerly Invitae), Labcorp
Classification: Uncertain significance for Early-infantile DEE. Last evaluated: 2025-02-06. Review status: criteria provided, single submitter. Criteria: Invitae Variant Classification Sherloc (09022015). Collection method: clinical testing. Allele origin: germline.
Comment: This sequence change replaces arginine, which is basic and polar, with serine, which is neutral and polar, at codon 569 of the SCN8A protein (p.Arg569Ser). This variant is present in population databases (rs267603508, gnomAD 0.004%). This variant has not been reported in the literature in individuals affected with SCN8A-related conditions. ClinVar contains an entry for this variant (Variation ID: 207107). Invitae Evidence Modeling of protein sequence and biophysical properties (such as structural, functional, and spatial information, amino acid conservation, physicochemical variation, residue mobility, and thermodynamic stability) indicates that this missense variant is not expected to disrupt SCN8A protein function with a negative predictive value of 95%. In summary, the available evidence is currently insufficient to determine the role of this variant in disease. Therefore, it has been classified as a Variant of Uncertain Significance.

GeneDx
Classification: Uncertain significance. Last evaluated: 2014-06-17. Review status: criteria provided, single submitter. Criteria: GeneDx Variant Classification (06012015). Collection method: clinical testing. Allele origin: germline. Affected: yes.
Comment: p.Arg569Ser (R569S) AGG>AGC: c.1707 G>C in exon 12 of the SCN8A gene (NM_014191.3)The R569S variant has not been published as a mutation, nor has it been reported as a benign polymorphism to our knowledge. It was not observed in approximately 6,100 individuals of European and African American ancestry in the NHLBI Exome Sequencing Project, indicating it is not a common benign variant in these populations. The R569S variant is a semi-conservative amino acid substitution, which may impact secondary protein structure as these residues differ in some properties. However, this substitution alters a position that is not conserved in the cytoplasmic loop between the first and second homologous domains in the SCN8A protein, and Lysine is observed at this position in multiple species in distant evolution. Additionally, missense mutations in nearby residues have not been reported. In silico analysis is inconsistent in its predictions as to whether or not the variant is damaging to the protein structure/function. Therefore, based on the currently available information, it is unclear whether this variant is a pathogenic mutation or a rare benign variant. The variant is found in INFANT-EPI panel(s).